The following is an entry in ClinVar:

NM_000038.6(APC):c.2334T>G (p.Asn778Lys)

Gene: APC (APC regulator of Wnt signaling pathway; plus strand). Cytogenetic location: 5q22.2.
Variant type: single nucleotide variant.
Coding change: c.2334T>G on transcript NM_000038.6 (MANE Select); coding-DNA position 2334, T replaced by G.
Protein change: p.Asn778Lys; replaces asparagine 778 with lysine.
Molecular consequence: missense variant.
Genome position (GRCh38, 1-based): chr5:112,837,928, T>G. VCF-style: chr5-112837928-T-G. GRCh37 (hg19) VCF-style: chr5-112173625-T-G.
Other names: c.2334T>G, p.Asn778Lys (NM_001127510.3, NM_001354895.2); c.2280T>G, p.Asn760Lys (NM_001127511.3); c.2388T>G, p.Asn796Lys (NM_001354896.2); c.2364T>G, p.Asn788Lys (NM_001354897.2); c.2259T>G, p.Asn753Lys (NM_001354898.2); c.2250T>G, p.Asn750Lys (NM_001354899.2); c.2211T>G, p.Asn737Lys (NM_001354900.2); c.2157T>G, p.Asn719Lys (NM_001354901.2); and 5 more; short protein forms N677K, N687K, N719K, N760K, N778K, N796K, N750K, N788K.
Identifiers: ClinVar variation 972568 (VCV000972568.11), dbSNP rs1765156986, ClinGen allele CA16026454.

ClinVar aggregate classification (germline): Uncertain significance (1 of 4 stars; one submission).

Conditions:
Familial adenomatous polyposis 1 (FAP1). Also called: FAMILIAL ADENOMATOUS POLYPOSIS 1, ATTENUATED; POLYPOSIS, ADENOMATOUS INTESTINAL. Identifiers: MedGen C2713442, MONDO:0021056, OMIM 175100. Disease mechanism: loss of function.

Submission:

Labcorp Genetics (formerly Invitae), Labcorp
Classification: Uncertain significance for Familial adenomatous polyposis 1. Last evaluated: 2023-10-17. Review status: criteria provided, single submitter. Criteria: Invitae Variant Classification Sherloc (09022015). Collection method: clinical testing. Allele origin: germline.
Comment: This sequence change replaces asparagine, which is neutral and polar, with lysine, which is basic and polar, at codon 778 of the APC protein (p.Asn778Lys). This variant is not present in population databases (gnomAD no frequency). This variant has not been reported in the literature in individuals affected with APC-related conditions. ClinVar contains an entry for this variant (Variation ID: 972568). Advanced modeling of protein sequence and biophysical properties (such as structural, functional, and spatial information, amino acid conservation, physicochemical variation, residue mobility, and thermodynamic stability) performed at Invitae indicates that this missense variant is not expected to disrupt APC protein function. In summary, the available evidence is currently insufficient to determine the role of this variant in disease. Therefore, it has been classified as a Variant of Uncertain Significance.